The following is an entry in ClinVar:

ClinVar aggregate classification (germline): Uncertain significance. Review status: criteria provided, multiple submitters, no conflicts (2 of 4 stars). 2 submissions from 2 submitters: Uncertain significance (2). Last evaluated 2022-09-07.

Allele frequency attached by ClinVar (database versions not stated): TOPMed 0.00001; gnomAD 0.00002; ExAC 0.00005.
gnomAD v4.1: 34 of 1,612,088 alleles (0.0021%); highest among the groups gnomAD compares: Middle Eastern, 0.017%; no homozygotes.

Submissions (2):

Labcorp Genetics (formerly Invitae), Labcorp
Classification: Uncertain significance. Last evaluated: 2022-09-07. Review status: criteria provided, single submitter. Criteria: Invitae Variant Classification Sherloc (09022015). Collection method: clinical testing. Allele origin: germline.
Comment: This sequence change replaces arginine, which is basic and polar, with cysteine, which is neutral and slightly polar, at codon 446 of the DGAT1 protein (p.Arg446Cys). This variant is present in population databases (rs782199338, gnomAD 0.01%). This variant has not been reported in the literature in individuals affected with DGAT1-related conditions. ClinVar contains an entry for this variant (Variation ID: 1462841). Algorithms developed to predict the effect of missense changes on protein structure and function are either unavailable or do not agree on the potential impact of this missense change (SIFT: "Deleterious"; PolyPhen-2: "Benign"; Align-GVGD: "Class C0"). In summary, the available evidence is currently insufficient to determine the role of this variant in disease. Therefore, it has been classified as a Variant of Uncertain Significance.

Breakthrough Genomics
Classification: Uncertain significance. Review status: criteria provided, single submitter. Criteria: ACMG Guidelines, 2015. Collection method: not provided. Allele origin: germline. Inheritance: Autosomal recessive inheritance. Affected: yes.

NM_012079.6(DGAT1):c.1336C>T (p.Arg446Cys)

Gene: DGAT1 (diacylglycerol O-acyltransferase 1; minus strand). Cytogenetic location: 8q24.3.
Variant type: single nucleotide variant.
Coding change: c.1336C>T on transcript NM_012079.6 (MANE Select); coding-DNA position 1336, C replaced by T.
Protein change: p.Arg446Cys; replaces arginine 446 with cysteine.
Molecular consequence: missense variant.
Genome position (GRCh38, 1-based): chr8:144,316,685, G>A on the plus strand (C>T on the coding strand, the complement: DGAT1 is on the minus strand). VCF-style: chr8-144316685-G-A. GRCh37 (hg19) VCF-style: chr8-145540348-G-A.
Other names: short protein forms R446C.
Identifiers: ClinVar variation 1462841 (VCV001462841.6), dbSNP rs782199338, ClinGen allele CA4936540.
Genomic context (GRCh38, chr8:144,316,685, plus strand): 5'-GCTGTCCGATGATGAGCGACAGCCACACAGCTGCGTTGCCATAGTTGCCCTGGAAAAAGC[G>A]GCCCACGAACCAGGCCAGTGGGATCTAGGGAGTGAGGGGCCAAGTCAGTCGGCCATGGTG-3'
Protein context (NP_036211.2, residues 436-456): AQIPLAWFVG[Arg446Cys]FFQGNYGNAA